The following is an entry in ClinVar:

NM_001199138.2(NLRC4):c.3004C>T (p.Leu1002Phe)

Gene: NLRC4 (NLR family CARD domain containing 4; minus strand). Cytogenetic location: 2p22.3.
Variant type: single nucleotide variant.
Coding change: c.3004C>T on transcript NM_001199138.2 (MANE Select); coding-DNA position 3004, C replaced by T.
Protein change: p.Leu1002Phe; replaces leucine 1002 with phenylalanine.
Molecular consequence: missense variant.
Genome position (GRCh38, 1-based): chr2:32,224,544, G>A on the plus strand (C>T on the coding strand, the complement: NLRC4 is on the minus strand). VCF-style: chr2-32224544-G-A. GRCh37 (hg19) VCF-style: chr2-32449613-G-A.
Other names: c.1009C>T, p.Leu337Phe (NM_001302504.2); c.3004C>T, p.Leu1002Phe (NM_021209.5, NM_001199139.2); short protein forms L337F, L1002F.
Identifiers: ClinVar variation 1518231 (VCV001518231.8), dbSNP rs372904047, ClinGen allele CA346519142.

ClinVar aggregate classification (germline): Uncertain significance (1 of 4 stars; one submission).

Conditions:
Familial cold autoinflammatory syndrome 4 (FCAS4). Identifiers: Orphanet 47045, Orphanet 576349, MedGen C4015276, MONDO:0014498, OMIM 616115.
Periodic fever-infantile enterocolitis-autoinflammatory syndrome. Also called: Autoinflammation with infantile enterocolitis. Identifiers: Orphanet 436166, MedGen C4015067, MONDO:0014472, OMIM 616050.

Submission:

Labcorp Genetics (formerly Invitae), Labcorp
Classification: Uncertain significance for Periodic fever-infantile enterocolitis-autoinflammatory syndrome; Familial cold autoinflammatory syndrome 4. Last evaluated: 2021-07-24. Review status: criteria provided, single submitter. Criteria: Invitae Variant Classification Sherloc (09022015). Collection method: clinical testing. Allele origin: germline.
Comment: Algorithms developed to predict the effect of missense changes on protein structure and function are either unavailable or do not agree on the potential impact of this missense change (SIFT: "Deleterious"; PolyPhen-2: "Probably Damaging"; Align-GVGD: "Class C0"). In summary, the available evidence is currently insufficient to determine the role of this variant in disease. Therefore, it has been classified as a Variant of Uncertain Significance. Algorithms developed to predict the effect of sequence changes on RNA splicing suggest that this variant may create or strengthen a splice site. This variant has not been reported in the literature in individuals affected with NLRC4-related conditions. This variant is not present in population databases (ExAC no frequency). This sequence change replaces leucine with phenylalanine at codon 1002 of the NLRC4 protein (p.Leu1002Phe). The leucine residue is highly conserved and there is a small physicochemical difference between leucine and phenylalanine.